The following is an entry in ClinVar:

NM_020297.4(ABCC9):c.1616C>G (p.Ser539Cys)

Gene: ABCC9 (ATP binding cassette subfamily C member 9; minus strand). Cytogenetic location: 12p12.1.
Variant type: single nucleotide variant.
Coding change: c.1616C>G on transcript NM_020297.4 (MANE Select); coding-DNA position 1616, C replaced by G.
Protein change: p.Ser539Cys; replaces serine 539 with cysteine.
Molecular consequence: missense variant.
Genome position (GRCh38, 1-based): chr12:21,906,128, G>C on the plus strand (C>G on the coding strand, the complement: ABCC9 is on the minus strand). VCF-style: chr12-21906128-G-C. GRCh37 (hg19) VCF-style: chr12-22059062-G-C.
Other names: c.1616C>G, p.Ser539Cys (NM_001377273.1, NM_005691.4); c.752C>G, p.Ser251Cys (NM_001377274.1); short protein forms S539C, S251C.
Identifiers: ClinVar variation 618499 (VCV000618499.8), dbSNP rs1565470260, ClinGen allele CA384138955.
Genomic context (GRCh38, chr12:21,906,128, plus strand): 5'-CTGTTGGTTATTCTGGTTGCCCTTAAAGTCGCCTGTTCTTAGAGCAACAGCAACTTACTG[G>C]AGAGTGATGTATATAGTGCAAAGGTTTTGAGACTAGATAGTTCTTTCATTCTTGTTTCCT-3'
Protein context (NP_064693.2, residues 529-549): LKTFALYTSL[Ser539Cys]IFMNAAIPIA

ClinVar aggregate classification (germline): Uncertain significance (1 of 4 stars; one submission).

Submission:

ARUP Laboratories, Molecular Genetics and Genomics, ARUP Laboratories
Classification: Uncertain significance. Last evaluated: 2017-08-14. Review status: criteria provided, single submitter. Criteria: ARUP Molecular Germline Variant Investigation Process. Collection method: clinical testing. Allele origin: germline.
Comment: The p.Ser539Cys variant has not been reported in the medical literature, is not listed in gene-specific variant databases, nor has it been previously identified in our laboratory. It is also absent from population databases such as 1000 Genomes, the NHLBI GO Exome Sequencing Project (ESP), and the Genome Aggregation Database (gnomAD) browser. The serine at codon 539 is highly conserved considering 12 species up to Zebrafish (Alamut software v2.9), and computational analyses suggest this variant has a significant effect on ABCC9 protein structure/function (SIFT: damaging, PolyPhen2: probably damaging, and Mutation Taster: disease causing). However, based on the available information, the clinical significance of the p.Ser539Cys variant cannot be determined with certainty.